The following is an entry in ClinVar:

ClinVar aggregate classification (germline): Pathogenic. Review status: criteria provided, multiple submitters, no conflicts (2 of 4 stars). 2 submissions from 2 submitters: Pathogenic (2). Last evaluated 2025-11-24.

Conditions:
Pendred syndrome (PDS). Also called: Pendred Syndrome (PDS); DEAFNESS WITH GOITER; THYROID DYSHORMONOGENESIS 2B; THYROID HORMONOGENESIS, GENETIC DEFECT IN, 2B; Pendred's syndrome; GOITER-DEAFNESS SYNDROME. Identifiers: Orphanet 705, MedGen C0271829, MONDO:0010134, OMIM 274600.

Allele frequency attached by ClinVar (database versions not stated): gnomAD exomes below 0.00001; TOPMed below 0.00001; gnomAD 0.00001.

Submissions (2):

Myriad Genetics, Inc.
Classification: Pathogenic for Pendred syndrome. Last evaluated: 2025-11-24. Review status: criteria provided, single submitter. Criteria: Myriad Autosomal Dominant, Autosomal Recessive and X-Linked Classification Criteria (2023). Collection method: clinical testing. Allele origin: unknown.
Comment: NM_000441.1(SLC26A4):c.2182dupT(Y728Lfs*26) is a frameshift variant classified as pathogenic in the context of Pendred syndrome. Y728Lfs*26 has been observed in a case with relevant disease (PMID: 20137612). Relevant functional assessments of this variant are not available in the literature. Y728Lfs*26 has not been observed in referenced population frequency databases. In summary, NM_000441.1(SLC26A4):c.2182dupT(Y728Lfs*26) is is a frameshift variant in a gene where loss of function is a known mechanism of disease, is predicted to disrupt protein function, and has been observed more frequently in cases with the relevant disease than in healthy populations. Please note: this variant was assessed in the context of healthy population screening.

Labcorp Genetics (formerly Invitae), Labcorp
Classification: Pathogenic. Last evaluated: 2022-11-16. Review status: criteria provided, single submitter. Criteria: Invitae Variant Classification Sherloc (09022015). Collection method: clinical testing. Allele origin: germline.
Comment: For these reasons, this variant has been classified as Pathogenic. This variant is also known as 2182-2183insT. This sequence change creates a premature translational stop signal (p.Tyr728Leufs*26) in the SLC26A4 gene. It is expected to result in an absent or disrupted protein product. Loss-of-function variants in SLC26A4 are known to be pathogenic (PMID: 16283880, 25394566, 26252218, 26445815). This variant is not present in population databases (gnomAD no frequency). This premature translational stop signal has been observed in individual(s) with clinical features of SLC26A4-related conditions (PMID: 20137612).

Literature cited by the submitters: PubMed 20137612 (cited by Myriad Genetics, Inc. and Labcorp Genetics (formerly Invitae), Labcorp); PubMed 16283880 (cited by Labcorp Genetics (formerly Invitae), Labcorp); PubMed 25394566 (cited by Labcorp Genetics (formerly Invitae), Labcorp); PubMed 26252218 (cited by Labcorp Genetics (formerly Invitae), Labcorp); PubMed 26445815 (cited by Labcorp Genetics (formerly Invitae), Labcorp).

NM_000441.2(SLC26A4):c.2182dup (p.Tyr728fs)

Genes: SLC26A4 (solute carrier family 26 member 4; plus strand), LOC123956210 (Sharpr-MPRA regulatory region 3291; plus strand). Cytogenetic location: 7q22.3.
Variant type: Duplication.
Coding change: c.2182dup on transcript NM_000441.2 (MANE Select); coding-DNA position 2182, one base duplicated (T; older notation c.2182dupT).
Protein change: p.Tyr728fs; shifts the reading frame from tyrosine 728.
Molecular consequence: frameshift variant.
Genome position (GRCh38, 1-based): chr7:107,710,146, T duplicated. VCF-style (leftmost placement, unchanged base first): chr7-107710145-C-CT. GRCh37 (hg19) VCF-style: chr7-107350590-C-CT.
Other names: short protein forms Y728fs.
Identifiers: ClinVar variation 2735074 (VCV002735074.4), dbSNP rs1554362779, ClinGen allele CA831174516.